The following is an entry in ClinVar:

ClinVar aggregate classification (germline): Uncertain significance. Review status: criteria provided, multiple submitters, no conflicts (2 of 4 stars). 3 submissions from 3 submitters: Uncertain significance (3). Last evaluated 2024-10-22.

Conditions:
Imerslund-Grasbeck syndrome type 1 (IGS1). Also called: Imerslund-Gräsbeck syndrome 1; Megaloblastic anemia 1, Finnish type; MEGALOBLASTIC ANEMIA, 1. Identifiers: MedGen C4016819, MONDO:0100156, OMIM 261100.
Proteinuria, chronic benign. Identifiers: MedGen C5394384, MONDO:0030042, OMIM 618884.
Inborn genetic diseases. Identifiers: MedGen C0950123, MeSH D030342.
Imerslund-Grasbeck syndrome. Also called: ENTEROCYTE COBALAMIN MALABSORPTION; ENTEROCYTE INTRINSIC FACTOR RECEPTOR, DEFECT OF; PERNICIOUS ANEMIA, JUVENILE, DUE TO SELECTIVE INTESTINAL MALABSORPTION OF VITAMIN B12, WITH PROTEINURIA; Imerslund-Gräsbeck syndrome; Megaloblastic anemia due to inborn errors of metabolism. Identifiers: Orphanet 35858, MedGen C4551825, MONDO:0009853.

Allele frequency attached by ClinVar (database versions not stated): gnomAD exomes below 0.00001; gnomAD 0.00001; TOPMed 0.00002; 1000 Genomes Project 0.00020; 1000 Genomes Project 30x 0.00031.

Submissions (3):

Labcorp Genetics (formerly Invitae), Labcorp
Classification: Uncertain significance for Imerslund-Grasbeck syndrome. Last evaluated: 2024-10-22. Review status: criteria provided, single submitter. Criteria: Invitae Variant Classification Sherloc (09022015). Collection method: clinical testing. Allele origin: germline.
Comment: This sequence change replaces leucine, which is neutral and non-polar, with phenylalanine, which is neutral and non-polar, at codon 166 of the CUBN protein (p.Leu166Phe). This variant is not present in population databases (gnomAD no frequency). This variant has not been reported in the literature in individuals affected with CUBN-related conditions. ClinVar contains an entry for this variant (Variation ID: 2039944). Invitae Evidence Modeling of protein sequence and biophysical properties (such as structural, functional, and spatial information, amino acid conservation, physicochemical variation, residue mobility, and thermodynamic stability) indicates that this missense variant is not expected to disrupt CUBN protein function with a negative predictive value of 80%. In summary, the available evidence is currently insufficient to determine the role of this variant in disease. Therefore, it has been classified as a Variant of Uncertain Significance.

Ambry Genetics
Classification: Uncertain significance for Inborn genetic diseases. Last evaluated: 2024-07-26. Review status: criteria provided, single submitter. Criteria: Ambry Variant Classification Scheme 2023. Collection method: clinical testing. Allele origin: germline.

Fulgent Genetics
Classification: Uncertain significance for Imerslund-Grasbeck syndrome type 1; Proteinuria, chronic benign. Last evaluated: 2024-02-19. Review status: criteria provided, single submitter. Criteria: ACMG Guidelines, 2015. Collection method: clinical testing. Allele origin: germline.

NM_001081.4(CUBN):c.496C>T (p.Leu166Phe)

Gene: CUBN (cubilin; minus strand). Cytogenetic location: 10p13.
Variant type: single nucleotide variant.
Coding change: c.496C>T on transcript NM_001081.4 (MANE Select); coding-DNA position 496, C replaced by T.
Protein change: p.Leu166Phe; replaces leucine 166 with phenylalanine.
Molecular consequence: missense variant.
Genome position (GRCh38, 1-based): chr10:17,122,892, G>A on the plus strand (C>T on the coding strand, the complement: CUBN is on the minus strand). VCF-style: chr10-17122892-G-A. GRCh37 (hg19) VCF-style: chr10-17164891-G-A.
Other names: short protein forms L166F.
Identifiers: ClinVar variation 2039944 (VCV002039944.5), dbSNP rs543920296, ClinGen allele CA203612806.